The following is an entry in ClinVar:

ClinVar aggregate classification (germline): Uncertain significance (1 of 4 stars; one submission).

Allele frequency attached by ClinVar (database versions not stated): TOPMed 0.00001; gnomAD 0.00003; gnomAD exomes 0.00007 and 0.00014; ExAC 0.00013.

Submission:

Labcorp Genetics (formerly Invitae), Labcorp
Classification: Uncertain significance. Last evaluated: 2021-11-04. Review status: criteria provided, single submitter. Criteria: Invitae Variant Classification Sherloc (09022015). Collection method: clinical testing. Allele origin: germline.
Comment: This sequence change replaces proline, which is neutral and non-polar, with glutamine, which is neutral and polar, at codon 2702 of the CELSR2 protein (p.Pro2702Gln). This variant is present in population databases (rs527248025, gnomAD 0.1%), and has an allele count higher than expected for a pathogenic variant. This variant has not been reported in the literature in individuals affected with CELSR2-related conditions. Algorithms developed to predict the effect of missense changes on protein structure and function are either unavailable or do not agree on the potential impact of this missense change (SIFT: "Deleterious"; PolyPhen-2: "Benign"; Align-GVGD: "Class C65"). In summary, the available evidence is currently insufficient to determine the role of this variant in disease. Therefore, it has been classified as a Variant of Uncertain Significance.

NM_001408.3(CELSR2):c.8105C>A (p.Pro2702Gln)

Gene: CELSR2 (cadherin EGF LAG seven-pass G-type receptor 2; plus strand). Cytogenetic location: 1p13.3.
Variant type: single nucleotide variant.
Coding change: c.8105C>A on transcript NM_001408.3 (MANE Select); coding-DNA position 8105, C replaced by A.
Protein change: p.Pro2702Gln; replaces proline 2702 with glutamine.
Molecular consequence: missense variant.
Genome position (GRCh38, 1-based): chr1:109,272,690, C>A. VCF-style: chr1-109272690-C-A. GRCh37 (hg19) VCF-style: chr1-109815312-C-A.
Other names: short protein forms P2702Q.
Identifiers: ClinVar variation 1498478 (VCV001498478.6), dbSNP rs527248025, ClinGen allele CA988475.
Genomic context (GRCh38, chr1:109,272,690, plus strand): 5'-ATCTTCCTAGGGAGGAGTCCGCACTGAACCCTGGCCAAGGGCCCCCTGGCCTGGGGGATC[C>A]AGGCAGCCTGTTCCTGGAAGGTCAAGACCAGCAGCATGGTGAGGACAGAACGCTCTGGCC-3'
Protein context (NP_001399.1, residues 2692-2712): PGQGPPGLGD[Pro2702Gln]GSLFLEGQDQ